The following is an entry in ClinVar:

NM_000988.5(RPL27):c.155A>G (p.Lys52Arg)

Gene: RPL27 (ribosomal protein L27; plus strand). Cytogenetic location: 17q21.31.
Variant type: single nucleotide variant.
Coding change: c.155A>G on transcript NM_000988.5 (MANE Select); coding-DNA position 155, A replaced by G.
Protein change: p.Lys52Arg; replaces lysine 52 with arginine.
Molecular consequence: missense variant.
Genome position (GRCh38, 1-based): chr17:43,000,006, A>G. VCF-style: chr17-43000006-A-G. GRCh37 (hg19) VCF-style: chr17-41152023-A-G.
Other names: c.155A>G, p.Lys52Arg (NM_001349921.2, NM_001349922.2); short protein forms K52R.
Identifiers: ClinVar variation 3015524 (VCV003015524.3), dbSNP rs1422169310, ClinGen allele CA399676130.

ClinVar aggregate classification (germline): Uncertain significance (1 of 4 stars; one submission).

Allele frequency attached by ClinVar (database versions not stated): gnomAD exomes below 0.00001; gnomAD 0.00003.
gnomAD v4.1: 7 of 1,612,364 alleles (0.00043%); highest among the groups gnomAD compares: African/African-American, 0.0053%; no homozygotes.

Submission:

Labcorp Genetics (formerly Invitae), Labcorp
Classification: Uncertain significance. Last evaluated: 2023-02-13. Review status: criteria provided, single submitter. Criteria: Invitae Variant Classification Sherloc (09022015). Collection method: clinical testing. Allele origin: germline.
Comment: This sequence change replaces lysine, which is basic and polar, with arginine, which is basic and polar, at codon 52 of the RPL27 protein (p.Lys52Arg). This variant is present in population databases (no rsID available, gnomAD 0.02%). This variant has not been reported in the literature in individuals affected with RPL27-related conditions. An algorithm developed to predict the effect of missense changes on protein structure and function (PolyPhen-2) suggests that this variant is likely to be disruptive. In summary, the available evidence is currently insufficient to determine the role of this variant in disease. Therefore, it has been classified as a Variant of Uncertain Significance.